The following is an entry in ClinVar:

ClinVar aggregate classification (germline): Benign. Review status: criteria provided, multiple submitters, no conflicts (2 of 4 stars). 2 submissions from 2 submitters: Benign (2). Last evaluated 2018-01-12.

Conditions:
Childhood apraxia of speech (SPCH1). Also called: DEVELOPMENTAL VERBAL DYSPRAXIA; Speech language disorder; FOXP2-Related Speech and Language Disorder; SPEECH AND LANGUAGE DISORDER WITH OROFACIAL DYSPRAXIA. Identifiers: Orphanet 209908, MedGen C0750927, MONDO:0011184, OMIM 602081.

Allele frequency attached by ClinVar (database versions not stated): gnomAD 0.00033 and 0.00040; ExAC 0.00048; gnomAD exomes 0.00489; 1000 Genomes Project 0.01478.
gnomAD v4.1: 427 of 229,636 alleles (0.19%); highest among the groups gnomAD compares: Middle Eastern, 0.34%; no homozygotes.

Submissions (2):

Illumina Laboratory Services, Illumina
Classification: Benign for Childhood apraxia of speech. Last evaluated: 2018-01-12. Review status: criteria provided, single submitter. Criteria: ICSL Variant Classification Criteria 13 December 2019. Collection method: clinical testing. Allele origin: germline.
Comment: This variant was observed in the ICSL laboratory as part of a predisposition screen in an ostensibly healthy population. It had not been previously curated by ICSL or reported in the Human Gene Mutation Database (HGMD: prior to June 1st, 2018), and was therefore a candidate for classification through an automated scoring system. Utilizing variant allele frequency, disease prevalence and penetrance estimates, and inheritance mode, an automated score was calculated to assess if this variant is too frequent to cause the disease. Based on the score and internal cut-off values, a variant classified as benign is not then subjected to further curation. The score for this variant resulted in a classification of benign for this disease.

Breakthrough Genomics
Classification: Benign. Review status: criteria provided, single submitter. Criteria: ACMG Guidelines, 2015. Collection method: not provided. Allele origin: germline. Inheritance: Autosomal dominant inheritance. Affected: yes.

NM_014491.4(FOXP2):c.*206T>C

Gene: FOXP2 (forkhead box P2; plus strand). Cytogenetic location: 7q31.1.
Variant type: single nucleotide variant.
Coding change: c.*206T>C on transcript NM_014491.4 (MANE Select); 206 bases downstream of the stop codon, T replaced by C.
Molecular consequence: 3 prime UTR variant. On other transcripts: non-coding transcript variant (2).
Genome position (GRCh38, 1-based): chr7:114,690,132, T>C. VCF-style: chr7-114690132-T-C. GRCh37 (hg19) VCF-style: chr7-114330187-T-C.
Other names: c.*206T>C (NM_001172766.3, NM_148898.4, NM_148900.4).
Identifiers: ClinVar variation 358619 (VCV000358619.6), dbSNP rs563988777, ClinGen allele CA4446365.
Genomic context (GRCh38, chr7:114,690,132, plus strand): 5'-AGCCCTTTGGGATTCAGTACCAACAGGCAAATTGCTTGTTTTCTTCTTCTTCTTCTTCTT[T>C]TTTTTTTTTTTTTTAGAAAAAAAGACAAAAACTGATTTTCTTGAAAAAAAAAAATGAACT-3'